The following is an entry in ClinVar:

ClinVar aggregate classification (germline): Uncertain significance (1 of 4 stars; one submission).

Conditions:
Focal segmental glomerulosclerosis 5 (FSGS5). Identifiers: Orphanet 656, MedGen C2750475, MONDO:0013191, OMIM 613237.
Charcot-Marie-Tooth disease dominant intermediate E. Also called: CHARCOT-MARIE-TOOTH NEUROPATHY WITH FOCAL SEGMENTAL GLOMERULONEPHRITIS. Identifiers: Orphanet 93114, MedGen C4302667, MONDO:0013758, OMIM 614455.

Submission:

Labcorp Genetics (formerly Invitae), Labcorp
Classification: Uncertain significance for Charcot-Marie-Tooth disease dominant intermediate E; Focal segmental glomerulosclerosis 5. Last evaluated: 2020-05-21. Review status: criteria provided, single submitter. Criteria: Invitae Variant Classification Sherloc (09022015). Collection method: clinical testing. Allele origin: germline.
Comment: In summary, the available evidence is currently insufficient to determine the role of this variant in disease. Therefore, it has been classified as a Variant of Uncertain Significance. Algorithms developed to predict the effect of missense changes on protein structure and function are either unavailable or do not agree on the potential impact of this missense change (SIFT: "Tolerated"; PolyPhen-2: "Not Available"; Align-GVGD: "Class C0"). This variant has not been reported in the literature in individuals with INF2-related conditions. This variant is not present in population databases (ExAC no frequency). This sequence change replaces aspartic acid with glycine at codon 895 of the INF2 protein (p.Asp895Gly). The aspartic acid residue is weakly conserved and there is a moderate physicochemical difference between aspartic acid and glycine.

NM_022489.4(INF2):c.2684A>G (p.Asp895Gly)

Gene: INF2 (inverted formin 2; plus strand). Cytogenetic location: 14q32.33.
Variant type: single nucleotide variant.
Coding change: c.2684A>G on transcript NM_022489.4 (MANE Select); coding-DNA position 2684, A replaced by G.
Protein change: p.Asp895Gly; replaces aspartic acid 895 with glycine.
Molecular consequence: missense variant.
Genome position (GRCh38, 1-based): chr14:104,712,901, A>G. VCF-style: chr14-104712901-A-G. GRCh37 (hg19) VCF-style: chr14-105179238-A-G.
Other names: c.2684A>G, p.Asp895Gly (NM_001031714.4); short protein forms D895G.
Identifiers: ClinVar variation 1007206 (VCV001007206.8), dbSNP rs1890119751, ClinGen allele CA391222402.